The following is an entry in ClinVar:

ClinVar aggregate classification (germline): Likely benign (1 of 4 stars; one submission).

Submission:

CeGaT Center for Human Genetics Tuebingen
Classification: Likely benign. Last evaluated: 2024-06-01. Review status: criteria provided, single submitter. Criteria: CeGaT Center For Human Genetics Tuebingen Variant Classification Criteria Version 2. Collection method: clinical testing. Allele origin: germline. Affected: yes. Observed: 1 variant allele.
Comment: RGPD3: BP4, BP7

NM_001144013.2(RGPD3):c.2220G>T (p.Leu740=)

Gene: RGPD3 (RANBP2 like and GRIP domain containing 3; minus strand). Cytogenetic location: 2q12.2.
Variant type: single nucleotide variant.
Coding change: c.2220G>T on transcript NM_001144013.2 (MANE Select); coding-DNA position 2220, G replaced by T.
Protein change: p.Leu740=; no amino-acid change (leucine 740 retained).
Molecular consequence: synonymous variant.
Genome position (GRCh38, 1-based): chr2:106,433,271, C>A on the plus strand (G>T on the coding strand, the complement: RGPD3 is on the minus strand). VCF-style: chr2-106433271-C-A. GRCh37 (hg19) VCF-style: chr2-107049727-C-A.
Identifiers: ClinVar variation 3250835 (VCV003250835.18), dbSNP rs1451223611.